The following is an entry in ClinVar:

ClinVar aggregate classification (germline): Benign (1 of 4 stars; one submission).

Conditions:
Renal hypomagnesemia 2 (HOMG2). Also called: MAGNESIUM LOSS, ISOLATED RENAL. Identifiers: Orphanet 34528, MedGen C1835171, MONDO:0007937, OMIM 154020.

Allele frequency attached by ClinVar (database versions not stated): gnomAD exomes 0.00206; gnomAD 0.01539 and 0.01653; TOPMed 0.01670; 1000 Genomes Project 0.01717; 1000 Genomes Project 30x 0.01921.
gnomAD v4.1: 2,509 of 240,558 alleles (1%); highest among the groups gnomAD compares: African/African-American, 5.3%; 60 homozygotes.

Submission:

Illumina Laboratory Services, Illumina
Classification: Benign for Renal hypomagnesemia 2. Last evaluated: 2018-01-12. Review status: criteria provided, single submitter. Criteria: ICSL Variant Classification Criteria 13 December 2019. Collection method: clinical testing. Allele origin: germline.
Comment: This variant was observed in the ICSL laboratory as part of a predisposition screen in an ostensibly healthy population. It had not been previously curated by ICSL or reported in the Human Gene Mutation Database (HGMD: prior to June 1st, 2018), and was therefore a candidate for classification through an automated scoring system. Utilizing variant allele frequency, disease prevalence and penetrance estimates, and inheritance mode, an automated score was calculated to assess if this variant is too frequent to cause the disease. Based on the score and internal cut-off values, a variant classified as benign is not then subjected to further curation. The score for this variant resulted in a classification of benign for this disease.

NM_001680.5(FXYD2):c.*105C>T

Genes: FXYD6-FXYD2 (FXYD6-FXYD2 readthrough; minus strand), FXYD2 (FXYD domain containing ion transport regulator 2; minus strand). Cytogenetic location: 11q23.3.
Variant type: single nucleotide variant.
Coding change: c.*105C>T on transcript NM_001680.5 (MANE Select); 105 bases downstream of the stop codon, C replaced by T.
Molecular consequence: 3 prime UTR variant.
Genome position (GRCh38, 1-based): chr11:117,820,274, G>A on the plus strand (C>T on the coding strand, the complement: FXYD2 is on the minus strand). VCF-style: chr11-117820274-G-A. GRCh37 (hg19) VCF-style: chr11-117690989-G-A.
Other names: c.*105C>T (NM_001204268.3, NM_021603.4); c.*139C>T (NM_001243598.4).
Identifiers: ClinVar variation 302517 (VCV000302517.5), dbSNP rs78017409, ClinGen allele CA10629874.